The following is an entry in ClinVar:

NM_001378454.1(ALMS1):c.12117A>C (p.Glu4039Asp)

Genes: ALMS1 (ALMS1 centrosome and basal body associated protein; plus strand), LOC126806252 (BRD4-independent group 4 enhancer GRCh37_chr2:73828496-73829695; plus strand). Cytogenetic location: 2p13.1.
Variant type: single nucleotide variant.
Coding change: c.12117A>C on transcript NM_001378454.1 (MANE Select); coding-DNA position 12117, A replaced by C.
Protein change: p.Glu4039Asp; replaces glutamic acid 4039 with aspartic acid.
Molecular consequence: missense variant.
Genome position (GRCh38, 1-based): chr2:73,602,187, A>C. VCF-style: chr2-73602187-A-C. GRCh37 (hg19) VCF-style: chr2-73829314-A-C.
Other names: c.12120A>C, p.Glu4040Asp (NM_015120.4); short protein forms E4040D, E4039D.
Identifiers: ClinVar variation 571935 (VCV000571935.12), dbSNP rs1016477755, ClinGen allele CA50337842.
Genomic context (GRCh38, chr2:73,602,187, plus strand): 5'-AGAGTAGATTGCATCATTAATCTGAGGCTGGGCATTTTCTCTTTTTTTTTTCTTTTAGGA[A>C]TCGCTTCAGTTTCACAGACCTGACTTCATCTCCCGCTCTGGGGAGCGGATAAAGCGCCTG-3'
Protein context (NP_001365383.1, residues 4029-4049): LRPFVRATLQ[Glu4039Asp]SLQFHRPDFI

ClinVar aggregate classification (germline): Uncertain significance. Review status: criteria provided, multiple submitters, no conflicts (2 of 4 stars). 3 submissions from 3 submitters: Uncertain significance (2). 1 of the submissions does not count toward it. Last evaluated 2022-07-16.

Conditions:
Alstrom syndrome (ALMS). Identifiers: Orphanet 64, MedGen C0268425, MONDO:0008763, OMIM 203800.

Allele frequency attached by ClinVar (database versions not stated): gnomAD exomes below 0.00001; gnomAD 0.00001; TOPMed 0.00002.
gnomAD v4.1: 2 of 1,613,716 alleles (0.00012%); highest among the groups gnomAD compares: African/African-American, 0.0027%; no homozygotes.

Submissions (3):

Labcorp Genetics (formerly Invitae), Labcorp
Classification: Uncertain significance for Alstrom syndrome. Last evaluated: 2022-07-16. Review status: criteria provided, single submitter. Criteria: Invitae Variant Classification Sherloc (09022015). Collection method: clinical testing. Allele origin: germline.
Comment: In summary, the available evidence is currently insufficient to determine the role of this variant in disease. Therefore, it has been classified as a Variant of Uncertain Significance. ClinVar contains an entry for this variant (Variation ID: 571935). This variant has not been reported in the literature in individuals affected with ALMS1-related conditions. This variant is not present in population databases (gnomAD no frequency). This sequence change replaces glutamic acid, which is acidic and polar, with aspartic acid, which is acidic and polar, at codon 4040 of the ALMS1 protein (p.Glu4040Asp).

Fulgent Genetics
Classification: Uncertain significance for Alstrom syndrome. Last evaluated: 2022-05-19. Review status: criteria provided, single submitter. Criteria: ACMG Guidelines, 2015. Collection method: clinical testing. Allele origin: unknown.

Natera, Inc.
Classification: Uncertain significance for Alstrom syndrome. Last evaluated: 2021-07-21. Review status: no assertion criteria provided. Collection method: clinical testing. Allele origin: germline. Not counted in ClinVar's aggregate classification.